The following is an entry in ClinVar:

ClinVar aggregate classification (germline): Uncertain significance (1 of 4 stars; one submission).

Submission:

Labcorp Genetics (formerly Invitae), Labcorp
Classification: Uncertain significance. Last evaluated: 2025-10-11. Review status: criteria provided, single submitter. Criteria: Invitae Variant Classification Sherloc (09022015). Collection method: clinical testing. Allele origin: germline.
Comment: This sequence change falls in intron 3 of the ELOVL5 gene. It does not directly change the encoded amino acid sequence of the ELOVL5 protein. This variant is present in population databases (rs778441938, gnomAD 0.009%). This variant has not been reported in the literature in individuals affected with ELOVL5-related conditions. Algorithms developed to predict the effect of sequence changes on RNA splicing suggest that this variant may disrupt the consensus splice site. In summary, the available evidence is currently insufficient to determine the role of this variant in disease. Therefore, it has been classified as a Variant of Uncertain Significance.

NM_021814.5(ELOVL5):c.247-13_247-10del

Gene: ELOVL5 (ELOVL fatty acid elongase 5; minus strand). Cytogenetic location: 6p12.1.
Variant type: Microsatellite.
Coding change: c.247-13_247-10del on transcript NM_021814.5 (MANE Select); 13 bases into the intron before coding-DNA position 247 through 10 bases into the intron before coding-DNA position 247, 4 bases deleted (TCTT; older notation c.247-13_247-10delTCTT).
Molecular consequence: intron variant.
Genome position (GRCh38, 1-based): chr6:53,276,266-53,276,269, AAGA deleted on the plus strand (TCTT on the coding strand, the reverse complement: ELOVL5 is on the minus strand); deleting any 4 consecutive bases within chr6:53,276,266-53,276,273 gives the same sequence; the c. name uses the placement nearest the transcript's 3' end. VCF-style (leftmost placement, unchanged base first): chr6-53276265-GAAGA-G. GRCh37 (hg19) VCF-style: chr6-53141063-GAAGA-G.
Other names: c.247-13_247-10del (NM_001242830.2, NM_001301856.2); c.328-13_328-10del (NM_001242828.2).
Identifiers: ClinVar variation 4737267 (VCV004737267.1).